The following is an entry in ClinVar:

NM_000229.2(LCAT):c.1223A>G (p.Asn408Ser)

Gene: LCAT (lecithin-cholesterol acyltransferase; minus strand). Cytogenetic location: 16q22.1.
Variant type: single nucleotide variant.
Coding change: c.1223A>G on transcript NM_000229.2 (MANE Select); coding-DNA position 1223, A replaced by G.
Protein change: p.Asn408Ser; replaces asparagine 408 with serine.
Molecular consequence: missense variant.
Genome position (GRCh38, 1-based): chr16:67,940,004, T>C on the plus strand (A>G on the coding strand, the complement: LCAT is on the minus strand). VCF-style: chr16-67940004-T-C. GRCh37 (hg19) VCF-style: chr16-67973907-T-C.
Other names: short protein forms N408S.
Identifiers: ClinVar variation 3230697 (VCV003230697.1), dbSNP rs1598202334, ClinGen allele CA396375428.

ClinVar aggregate classification (germline): Uncertain significance (1 of 4 stars; one submission).

Conditions:
Cardiovascular phenotype. Identifiers: MedGen CN230736.

Submission:

Ambry Genetics
Classification: Uncertain significance for Cardiovascular phenotype. Last evaluated: 2023-11-17. Review status: criteria provided, single submitter. Criteria: Ambry Variant Classification Scheme 2023. Collection method: clinical testing. Allele origin: germline.
Comment: The p.N408S variant (also known as c.1223A>G), located in coding exon 6 of the LCAT gene, results from an A to G substitution at nucleotide position 1223. The asparagine at codon 408 is replaced by serine, an amino acid with highly similar properties. This amino acid position is conserved. In addition, this alteration is predicted to be tolerated by in silico analysis. Since supporting evidence is limited at this time, the clinical significance of this alteration remains unclear.